The following is an entry in ClinVar:

NM_001145715.3(KPNA7):c.180A>T (p.Glu60Asp)

Gene: KPNA7 (karyopherin subunit alpha 7; minus strand). Cytogenetic location: 7q22.1.
Variant type: single nucleotide variant.
Coding change: c.180A>T on transcript NM_001145715.3 (MANE Select); coding-DNA position 180, A replaced by T.
Protein change: p.Glu60Asp; replaces glutamic acid 60 with aspartic acid.
Molecular consequence: missense variant.
Genome position (GRCh38, 1-based): chr7:99,203,127, T>A on the plus strand (A>T on the coding strand, the complement: KPNA7 is on the minus strand). VCF-style: chr7-99203127-T-A. GRCh37 (hg19) VCF-style: chr7-98800750-T-A.
Other names: short protein forms E60D.
Identifiers: ClinVar variation 651176 (VCV000651176.4), dbSNP rs375418501, ClinGen allele CA4363290.
Genomic context (GRCh38, chr7:99,203,127, plus strand): 5'-ATATTTTGCCCAAGACTACTCTAAACACTACATACTGACCGCCACCCCTTTGGCTGTTTT[T>A]TCAGAAGGTGTGTCAGGGCAGAAGCTCGTGATATTCCTTCTCTTTAAGGTCTGTTCATCT-3'
Protein context (NP_001139187.1, residues 50-70): ITSFCPDTPS[Glu60Asp]KTAKGVAVSL

ClinVar aggregate classification (germline): Uncertain significance (1 of 4 stars; one submission).

Allele frequency attached by ClinVar (database versions not stated): gnomAD 0.00006 and 0.00007; gnomAD exomes 0.00006; TOPMed 0.00006; ExAC 0.00009; ESP Exome Variant Server 0.00044.
gnomAD v4.1: 146 of 1,551,558 alleles (0.0094%); highest among the groups gnomAD compares: Non-Finnish European, 0.011%; no homozygotes.

Submission:

Labcorp Genetics (formerly Invitae), Labcorp
Classification: Uncertain significance. Last evaluated: 2022-05-21. Review status: criteria provided, single submitter. Criteria: Invitae Variant Classification Sherloc (09022015). Collection method: clinical testing. Allele origin: germline.
Comment: This sequence change replaces glutamic acid, which is acidic and polar, with aspartic acid, which is acidic and polar, at codon 60 of the KPNA7 protein (p.Glu60Asp). This variant is present in population databases (rs375418501, gnomAD 0.01%). This variant has not been reported in the literature in individuals affected with KPNA7-related conditions. ClinVar contains an entry for this variant (Variation ID: 651176). Algorithms developed to predict the effect of missense changes on protein structure and function output the following: SIFT: "Tolerated"; PolyPhen-2: "Benign"; Align-GVGD: "Class C0". The aspartic acid amino acid residue is found in multiple mammalian species, which suggests that this missense change does not adversely affect protein function. In summary, the available evidence is currently insufficient to determine the role of this variant in disease. Therefore, it has been classified as a Variant of Uncertain Significance.